The following is an entry in ClinVar:

NM_000038.6(APC):c.7959_7962del (p.Thr2654fs)

Gene: APC (APC regulator of Wnt signaling pathway; plus strand). Cytogenetic location: 5q22.2.
Variant type: Deletion.
Coding change: c.7959_7962del on transcript NM_000038.6 (MANE Select); coding-DNA positions 7959 to 7962, 4 bases deleted (AACA; older notation c.7959_7962delAACA).
Protein change: p.Thr2654fs; shifts the reading frame from threonine 2654.
Molecular consequence: frameshift variant.
Genome position (GRCh38, 1-based): chr5:112,843,553-112,843,556, AACA deleted; deleting any 4 consecutive bases within chr5:112,843,552-112,843,556 gives the same sequence; the c. name uses the placement nearest the transcript's 3' end. VCF-style (leftmost placement, unchanged base first): chr5-112843551-AAAAC-A. GRCh37 (hg19) VCF-style: chr5-112179248-AAAAC-A.
Other names: c.7959_7962delAACA (NM_000038.5); c.7959_7962del, p.Thr2654fs (NM_001127510.3, NM_001354895.2); c.7905_7908del, p.Thr2636fs (NM_001127511.3); c.8013_8016del, p.Thr2672fs (NM_001354896.2); c.7989_7992del, p.Thr2664fs (NM_001354897.2); c.7884_7887del, p.Thr2629fs (NM_001354898.2); c.7875_7878del, p.Thr2626fs (NM_001354899.2); c.7836_7839del, p.Thr2613fs (NM_001354900.2); and 6 more; short protein forms T2553fs, T2595fs, T2494fs, T2563fs, T2626fs, T2613fs, T2636fs, T2654fs.
Identifiers: ClinVar variation 545737 (VCV000545737.8), dbSNP rs1554088793, ClinGen allele CA658822518.

ClinVar aggregate classification (germline): Pathogenic/Likely pathogenic. Review status: criteria provided, multiple submitters, no conflicts (2 of 4 stars). 2 submissions from 2 submitters: Pathogenic (1); Likely pathogenic (1). Last evaluated 2023-05-16.

Conditions:
Familial adenomatous polyposis 1 (FAP1). Also called: FAMILIAL ADENOMATOUS POLYPOSIS 1, ATTENUATED; POLYPOSIS, ADENOMATOUS INTESTINAL. Identifiers: MedGen C2713442, MONDO:0021056, OMIM 175100. Disease mechanism: loss of function.

Submissions (2):

Labcorp Genetics (formerly Invitae), Labcorp
Classification: Likely pathogenic for Familial adenomatous polyposis 1. Last evaluated: 2023-05-16. Review status: criteria provided, single submitter. Criteria: Invitae Variant Classification Sherloc (09022015). Collection method: clinical testing. Allele origin: germline.
Comment: In summary, the currently available evidence indicates that the variant is pathogenic, but additional data are needed to prove that conclusively. Therefore, this variant has been classified as Likely Pathogenic. This variant is expected to disrupt the EB1 and HDLG binding sites, which mediate interactions with the cytoskeleton (PMID: 15311282, 17293347). While functional studies have not been performed to directly test the effect on APC protein function, this suggests that disruption of the C-terminal portion of the protein is functionally important. ClinVar contains an entry for this variant (Variation ID: 545737). This premature translational stop signal has been observed in individual(s) with clinical features of familial adenomatous polyposis (PMID: 23159591; Invitae). This variant is not present in population databases (gnomAD no frequency). This sequence change creates a premature translational stop signal (p.Thr2654Argfs*5) in the APC gene. While this is not anticipated to result in nonsense mediated decay, it is expected to disrupt the last 190 amino acid(s) of the APC protein.

GeneDx
Classification: Pathogenic. Last evaluated: 2020-05-18. Review status: criteria provided, single submitter. Criteria: GeneDx Variant Classification Process June 2021. Collection method: clinical testing. Allele origin: germline. Affected: yes.
Comment: Frameshift variant predicted to result in protein truncation in a gene for which loss-of-function is a known mechanism of disease; Not observed in large population cohorts (Lek 2016); This variant is associated with the following publications: (PMID: 23159591)

Literature cited by the submitters: PubMed 15311282 (cited by Labcorp Genetics (formerly Invitae), Labcorp); PubMed 17293347 (cited by Labcorp Genetics (formerly Invitae), Labcorp); PubMed 23159591 (cited by Labcorp Genetics (formerly Invitae), Labcorp).